The following is an entry in ClinVar:

ClinVar aggregate classification (germline): Likely benign (1 of 4 stars; one submission).

Submission:

CeGaT Center for Human Genetics Tuebingen
Classification: Likely benign. Last evaluated: 2026-05-01. Review status: criteria provided, single submitter. Criteria: CeGaT Center For Human Genetics Tuebingen Variant Classification Criteria Version 2. Collection method: clinical testing. Allele origin: germline. Affected: yes. Observed: 1 variant allele.
Comment: RHOBTB2: PM2:Supporting, BP4, BP7

NM_015178.3(RHOBTB2):c.183G>A (p.Val61=)

Gene: RHOBTB2 (Rho related BTB domain containing 2; plus strand). Cytogenetic location: 8p21.3.
Variant type: single nucleotide variant.
Coding change: c.183G>A on transcript NM_015178.3 (MANE Select); coding-DNA position 183, G replaced by A.
Protein change: p.Val61=; no amino-acid change (valine 61 retained).
Molecular consequence: synonymous variant.
Genome position (GRCh38, 1-based): chr8:23,004,617, G>A. VCF-style: chr8-23004617-G-A. GRCh37 (hg19) VCF-style: chr8-22862130-G-A.
Other names: c.249G>A, p.Val83= (NM_001160036.2); c.204G>A, p.Val68= (NM_001160037.2); c.183G>A, p.Val61= (NM_001374791.1).
Identifiers: ClinVar variation 4873121 (VCV004873121.2).